The following is an entry in ClinVar:

NM_015466.4(PTPN23):c.3633_3638dup (p.1211IA[3])

Gene: PTPN23 (protein tyrosine phosphatase non-receptor type 23; plus strand). Cytogenetic location: 3p21.31.
Variant type: Duplication.
Coding change: c.3633_3638dup on transcript NM_015466.4 (MANE Select); coding-DNA positions 3633 to 3638, 6 bases duplicated (CGCCAT; older notation c.3633_3638dupCGCCAT).
Protein change: p.1211IA[3].
Molecular consequence: inframe insertion.
Genome position (GRCh38, 1-based): chr3:47,411,431-47,411,436, CGCCAT duplicated; duplicating any 6 consecutive bases within chr3:47,411,427-47,411,436 gives the same sequence; the c. name uses the placement nearest the transcript's 3' end. VCF-style (leftmost placement, unchanged base first): chr3-47411426-T-TCCATCG. GRCh37 (hg19) VCF-style: chr3-47452916-T-TCCATCG.
Other names: c.3255_3260dup, p.1085IA[3] (NM_001304482.2).
Identifiers: ClinVar variation 1419229 (VCV001419229.6), dbSNP rs2107725254, ClinGen allele CA2573137071.

ClinVar aggregate classification (germline): Uncertain significance (1 of 4 stars; one submission).

Submission:

Labcorp Genetics (formerly Invitae), Labcorp
Classification: Uncertain significance. Last evaluated: 2021-10-05. Review status: criteria provided, single submitter. Criteria: Invitae Variant Classification Sherloc (09022015). Collection method: clinical testing. Allele origin: germline.
Comment: In summary, the available evidence is currently insufficient to determine the role of this variant in disease. Therefore, it has been classified as a Variant of Uncertain Significance. Experimental studies and prediction algorithms are not available or were not evaluated, and the functional significance of this variant is currently unknown. This variant has not been reported in the literature in individuals affected with PTPN23-related conditions. This variant is not present in population databases (ExAC no frequency). This variant, c.3633_3638dup, results in the insertion of 2 amino acid(s) to the PTPN23 protein (p.Ile1213_Ala1214dup), but otherwise preserves the integrity of the reading frame.